The following is an entry in ClinVar:

NM_033028.5(BBS4):c.963A>G (p.Ala321=)

Gene: BBS4 (Bardet-Biedl syndrome 4; plus strand). Cytogenetic location: 15q24.1.
Variant type: single nucleotide variant.
Coding change: c.963A>G on transcript NM_033028.5 (MANE Select); coding-DNA position 963, A replaced by G.
Protein change: p.Ala321=; no amino-acid change (alanine 321 retained).
Molecular consequence: synonymous variant. On other transcripts: non-coding transcript variant (2).
Genome position (GRCh38, 1-based): chr15:72,731,653, A>G. VCF-style: chr15-72731653-A-G. GRCh37 (hg19) VCF-style: chr15-73023994-A-G.
Other names: c.963A>G (NM_033028.4); c.447A>G, p.Ala149= (NM_001252678.2); c.894A>G, p.Ala298= (NM_001320665.2).
Identifiers: ClinVar variation 1663326 (VCV001663326.11), dbSNP rs368144793, ClinGen allele CA7646843.

ClinVar aggregate classification (germline): Likely benign. Review status: criteria provided, multiple submitters, no conflicts (2 of 4 stars). 3 submissions from 3 submitters: Likely benign (2). 1 of the submissions does not count toward it. Last evaluated 2025-05-07.

Conditions:
Bardet-Biedl syndrome (BBS). Identifiers: Orphanet 110, MedGen C0752166, MONDO:0015229.
BBS4-related disorder. Also called: BBS4-related condition.

Allele frequency attached by ClinVar (database versions not stated): gnomAD exomes 0.00001 and 0.00002; ExAC 0.00002; gnomAD 0.00003; TOPMed 0.00003; ESP Exome Variant Server 0.00008.
gnomAD v4.1: 23 of 1,614,112 alleles (0.0014%); highest among the groups gnomAD compares: African/African-American, 0.004%; no homozygotes.

Submissions (3):

Labcorp Genetics (formerly Invitae), Labcorp
Classification: Likely benign for Bardet-Biedl syndrome. Last evaluated: 2025-05-07. Review status: criteria provided, single submitter. Criteria: Invitae Variant Classification Sherloc (09022015). Collection method: clinical testing. Allele origin: germline.

Blueprint Genetics
Classification: Likely benign. Last evaluated: 2021-10-05. Review status: criteria provided, single submitter. Criteria: ACMG Guidelines, 2015. Collection method: clinical testing. Allele origin: germline.

PreventionGenetics, part of Exact Sciences
Classification: Likely benign for BBS4-related condition. Last evaluated: 2022-05-10. Review status: no assertion criteria provided. Collection method: clinical testing. Allele origin: germline. Not counted in ClinVar's aggregate classification.
Comment: This variant is classified as likely benign based on ACMG/AMP sequence variant interpretation guidelines (Richards et al. 2015 PMID: 25741868, with internal and published modifications).